The following is an entry in ClinVar:

NM_005430.4(WNT1):c.265G>A (p.Ala89Thr)

Gene: WNT1 (Wnt family member 1; plus strand). Cytogenetic location: 12q13.12.
Variant type: single nucleotide variant.
Coding change: c.265G>A on transcript NM_005430.4 (MANE Select); coding-DNA position 265, G replaced by A.
Protein change: p.Ala89Thr; replaces alanine 89 with threonine.
Molecular consequence: missense variant.
Genome position (GRCh38, 1-based): chr12:48,979,628, G>A. VCF-style: chr12-48979628-G-A. GRCh37 (hg19) VCF-style: chr12-49373411-G-A.
Other names: short protein forms A89T.
Identifiers: ClinVar variation 1483183 (VCV001483183.6), dbSNP rs1427892574, ClinGen allele CA384627951.
Genomic context (GRCh38, chr12:48,979,628, plus strand): 5'-CGGCGTCTGATACGCCAAAATCCGGGGATCCTGCACAGCGTGAGTGGGGGGCTGCAGAGT[G>A]CCGTGCGCGAGTGCAAGTGGCAGTTCCGGAATCGCCGCTGGAACTGTCCCACTGCTCCAG-3'
Protein context (NP_005421.1, residues 79-99): LHSVSGGLQS[Ala89Thr]VRECKWQFRN

ClinVar aggregate classification (germline): Uncertain significance (1 of 4 stars; one submission).

Allele frequency attached by ClinVar (database versions not stated): gnomAD 0.00001; TOPMed 0.00001.

Submission:

Labcorp Genetics (formerly Invitae), Labcorp
Classification: Uncertain significance. Last evaluated: 2022-02-28. Review status: criteria provided, single submitter. Criteria: Invitae Variant Classification Sherloc (09022015). Collection method: clinical testing. Allele origin: germline.
Comment: This sequence change replaces alanine, which is neutral and non-polar, with threonine, which is neutral and polar, at codon 89 of the WNT1 protein (p.Ala89Thr). This variant is not present in population databases (gnomAD no frequency). This variant has not been reported in the literature in individuals affected with WNT1-related conditions. Algorithms developed to predict the effect of missense changes on protein structure and function (SIFT, PolyPhen-2, Align-GVGD) all suggest that this variant is likely to be disruptive. In summary, the available evidence is currently insufficient to determine the role of this variant in disease. Therefore, it has been classified as a Variant of Uncertain Significance.